The following is an entry in ClinVar:

ClinVar aggregate classification (germline): Uncertain significance (1 of 4 stars; one submission).

Conditions:
Duchenne muscular dystrophy (DMD). Also called: MUSCULAR DYSTROPHY, PSEUDOHYPERTROPHIC PROGRESSIVE, DUCHENNE TYPE; Duchenne Muscular Dystrophy (DMD). Identifiers: Orphanet 98896, MedGen C0013264, MONDO:0010679, OMIM 310200.

gnomAD v4.1: 1 of 1,209,338 alleles (0.000083%); highest among the groups gnomAD compares: African/African-American, 0.0017%; no homozygotes.

Submission:

Labcorp Genetics (formerly Invitae), Labcorp
Classification: Uncertain significance for Duchenne muscular dystrophy. Last evaluated: 2025-07-23. Review status: criteria provided, single submitter. Criteria: Invitae Variant Classification Sherloc (09022015). Collection method: clinical testing. Allele origin: germline.
Comment: This sequence change replaces glutamine, which is neutral and polar, with leucine, which is neutral and non-polar, at codon 2172 of the DMD protein (p.Gln2172Leu). This variant is not present in population databases (gnomAD no frequency). This variant has not been reported in the literature in individuals affected with DMD-related conditions. Invitae Evidence Modeling of protein sequence and biophysical properties (such as structural, functional, and spatial information, amino acid conservation, physicochemical variation, residue mobility, and thermodynamic stability) indicates that this missense variant is not expected to disrupt DMD protein function with a negative predictive value of 95%. In summary, the available evidence is currently insufficient to determine the role of this variant in disease. Therefore, it has been classified as a Variant of Uncertain Significance.

NM_004006.3(DMD):c.6515A>T (p.Gln2172Leu)

Gene: DMD (dystrophin; minus strand). Cytogenetic location: Xp21.1.
Variant type: single nucleotide variant.
Coding change: c.6515A>T on transcript NM_004006.3 (MANE Select); coding-DNA position 6515, A replaced by T.
Protein change: p.Gln2172Leu; replaces glutamine 2172 with leucine.
Molecular consequence: missense variant. On other transcripts: 5 prime UTR variant (5).
Genome position (GRCh38, 1-based): chrX:31,968,438, T>A on the plus strand (A>T on the coding strand, the complement: DMD is on the minus strand). VCF-style: chrX-31968438-T-A. GRCh37 (hg19) VCF-style: chrX-31986555-T-A.
Other names: c.6491A>T, p.Gln2164Leu (NM_000109.4); c.6503A>T, p.Gln2168Leu (NM_004009.3); c.6146A>T, p.Gln2049Leu (NM_004010.3); c.2492A>T, p.Gln831Leu (NM_004011.4); c.2483A>T, p.Gln828Leu (NM_004012.4); c.-866A>T (NM_004013.3, NM_004020.4, NM_004021.3 and 2 more transcripts); short protein forms Q2172L, Q2164L, Q2168L, Q831L, Q2049L, Q828L.
Identifiers: ClinVar variation 4692399 (VCV004692399.1).